The following is an entry in ClinVar:

ClinVar aggregate classification (germline): Uncertain significance. Review status: criteria provided, multiple submitters, no conflicts (2 of 4 stars). 2 submissions from 2 submitters: Uncertain significance (2). Last evaluated 2025-10-27.

Conditions:
Hereditary cancer-predisposing syndrome. Also called: Neoplastic Syndromes, Hereditary; Tumor predisposition; Hereditary Cancer Syndrome; Hereditary neoplastic syndrome. Identifiers: Orphanet 140162, MedGen C0027672, MeSH D009386, MONDO:0015356.

Allele frequency attached by ClinVar (database versions not stated): gnomAD exomes below 0.00001.
gnomAD v4.1: 2 of 1,613,140 alleles (0.00012%); highest among the groups gnomAD compares: African/African-American, 0.0027%; no homozygotes.

Submissions (2):

Ambry Genetics
Classification: Uncertain significance for Hereditary cancer-predisposing syndrome. Last evaluated: 2025-10-27. Review status: criteria provided, single submitter. Criteria: Ambry Variant Classification Scheme 2023. Collection method: clinical testing. Allele origin: germline.
Comment: The p.S1252Y variant (also known as c.3755C>A), located in coding exon 15 of the APC gene, results from a C to A substitution at nucleotide position 3755. The serine at codon 1252 is replaced by tyrosine, an amino acid with dissimilar properties. This amino acid position is not well conserved in available vertebrate species. In addition, in silico predictors for this gene do not accurately predict pathogenicity. Since supporting evidence is limited at this time, the clinical significance of this alteration remains unclear.

GeneDx
Classification: Uncertain significance. Last evaluated: 2022-12-07. Review status: criteria provided, single submitter. Criteria: GeneDx Variant Classification Process June 2021. Collection method: clinical testing. Allele origin: germline. Affected: yes.
Comment: Not observed at significant frequency in large population cohorts (gnomAD); In silico analysis supports that this missense variant does not alter protein structure/function; Has not been previously published as pathogenic or benign to our knowledge

NM_000038.6(APC):c.3755C>A (p.Ser1252Tyr)

Gene: APC (APC regulator of Wnt signaling pathway; plus strand). Cytogenetic location: 5q22.2.
Variant type: single nucleotide variant.
Coding change: c.3755C>A on transcript NM_000038.6 (MANE Select); coding-DNA position 3755, C replaced by A.
Protein change: p.Ser1252Tyr; replaces serine 1252 with tyrosine.
Molecular consequence: missense variant.
Genome position (GRCh38, 1-based): chr5:112,839,349, C>A. VCF-style: chr5-112839349-C-A. GRCh37 (hg19) VCF-style: chr5-112175046-C-A.
Other names: c.3755C>A, p.Ser1252Tyr (NM_001354895.2, NM_001127510.3, NM_001407450.1); c.3785C>A, p.Ser1262Tyr (NM_001354897.2); c.3680C>A, p.Ser1227Tyr (NM_001354898.2); c.3809C>A, p.Ser1270Tyr (NM_001354896.2, NM_001407447.1, NM_001407448.1 and 1 more transcripts); c.3671C>A, p.Ser1224Tyr (NM_001354899.2); c.3701C>A, p.Ser1234Tyr (NM_001127511.3); c.3632C>A, p.Ser1211Tyr (NM_001354900.2); c.3578C>A, p.Ser1193Tyr (NM_001354901.2, NM_001407453.1); and 11 more; short protein forms S1092Y, S1161Y, S1262Y, S1270Y, S1126Y, S1224Y, S1227Y, S1280Y.
Identifiers: ClinVar variation 1734593 (VCV001734593.5), dbSNP rs1554085281, ClinGen allele CA16029569.
Genomic context (GRCh38, chr5:112,839,349, plus strand): 5'-ATCCAAGTTCTGCACAGAGTAGAAGTGGTCAGCCTCAAAAGGCTGCCACTTGCAAAGTTT[C>A]TTCTATTAACCAAGAAACAATACAGACTTATTGTGTAGAAGATACTCCAATATGTTTTTC-3'
Protein context (NP_000029.2, residues 1242-1262): QPQKAATCKV[Ser1252Tyr]SINQETIQTY